The following is an entry in ClinVar:

ClinVar aggregate classification (germline): Uncertain significance (1 of 4 stars; one submission).

Submission:

Ambry Genetics
Classification: Uncertain significance. Last evaluated: 2024-10-23. Review status: criteria provided, single submitter. Criteria: Ambry Variant Classification Scheme 2023. Collection method: clinical testing. Allele origin: germline.
Comment: The c.4295delT variant, located in coding exon 39 of the KIF1B gene, results from a deletion of one nucleotide at nucleotide position 4295, causing a translational frameshift with a predicted alternate stop codon (p.L1432*). This alteration is expected to result in loss of function by premature protein truncation or nonsense-mediated mRNA decay. The evidence for this gene-disease relationship is limited; therefore, the clinical significance of this alteration is unclear.

NM_001365951.3(KIF1B):c.4433del (p.Asn1477_Leu1478insTer)

Gene: KIF1B (kinesin family member 1B; plus strand). Cytogenetic location: 1p36.22.
Variant type: Deletion.
Coding change: c.4433del on transcript NM_001365951.3 (MANE Select); coding-DNA position 4433, one base deleted (T; older notation c.4433delT).
Protein change: p.Asn1477_Leu1478insTer.
Molecular consequence: nonsense.
Genome position (GRCh38, 1-based): chr1:10,365,166, T deleted; the last of 2 consecutive T bases (chr1:10,365,165-10,365,166); deleting either gives the same sequence. VCF-style (leftmost placement, unchanged base first): chr1-10365164-CT-C. GRCh37 (hg19) VCF-style: chr1-10425222-CT-C.
Other names: c.4433del, p.Asn1477_Leu1478insTer (NM_001365952.1); c.4295del, p.Asn1431_Leu1432insTer (NM_015074.3); c.4295delT (NM_015074.3).
Identifiers: ClinVar variation 1739463 (VCV001739463.3), dbSNP rs1156525444, ClinGen allele CA521452703.